The following is an entry in ClinVar:

NM_005585.5(SMAD6):c.125G>A (p.Arg42Gln)

Gene: SMAD6 (SMAD family member 6; plus strand). Cytogenetic location: 15q22.31.
Variant type: single nucleotide variant.
Coding change: c.125G>A on transcript NM_005585.5 (MANE Select); coding-DNA position 125, G replaced by A.
Protein change: p.Arg42Gln; replaces arginine 42 with glutamine.
Molecular consequence: missense variant. On other transcripts: non-coding transcript variant (1).
Genome position (GRCh38, 1-based): chr15:66,703,383, G>A. VCF-style: chr15-66703383-G-A. GRCh37 (hg19) VCF-style: chr15-66995721-G-A.
Other names: short protein forms R42Q.
Identifiers: ClinVar variation 1433429 (VCV001433429.10), dbSNP rs1270837180, ClinGen allele CA392948637.

ClinVar aggregate classification (germline): Uncertain significance. Review status: criteria provided, multiple submitters, no conflicts (2 of 4 stars). 2 submissions from 2 submitters: Uncertain significance (2). Last evaluated 2024-05-20.

Conditions:
Aortic valve disease 2 (AOVD2). Identifiers: MedGen C3542024, MONDO:0013902, OMIM 614823.
Inborn genetic diseases. Identifiers: MedGen C0950123, MeSH D030342.

Allele frequency attached by ClinVar (database versions not stated): TOPMed below 0.00001.
gnomAD v4.1: 15 of 1,435,892 alleles (0.001%); highest among the groups gnomAD compares: South Asian, 0.015%; 1 homozygote.

Submissions (2):

Labcorp Genetics (formerly Invitae), Labcorp
Classification: Uncertain significance for Aortic valve disease 2. Last evaluated: 2024-05-20. Review status: criteria provided, single submitter. Criteria: Invitae Variant Classification Sherloc (09022015). Collection method: clinical testing. Allele origin: germline.
Comment: This sequence change replaces arginine, which is basic and polar, with glutamine, which is neutral and polar, at codon 42 of the SMAD6 protein (p.Arg42Gln). The frequency data for this variant in the population databases is considered unreliable, as metrics indicate poor data quality at this position in the gnomAD database. This variant has not been reported in the literature in individuals affected with SMAD6-related conditions. ClinVar contains an entry for this variant (Variation ID: 1433429). Algorithms developed to predict the effect of missense changes on protein structure and function output the following: SIFT: "Not Available"; PolyPhen-2: "Benign"; Align-GVGD: "Not Available". The glutamine amino acid residue is found in multiple mammalian species, which suggests that this missense change does not adversely affect protein function. In summary, the available evidence is currently insufficient to determine the role of this variant in disease. Therefore, it has been classified as a Variant of Uncertain Significance.

Ambry Genetics
Classification: Uncertain significance for Inborn genetic diseases. Last evaluated: 2022-01-26. Review status: criteria provided, single submitter. Criteria: Ambry Variant Classification Scheme 2023. Collection method: clinical testing. Allele origin: germline.
Comment: The p.R42Q variant (also known as c.125G>A), located in coding exon 1 of the SMAD6 gene, results from a G to A substitution at nucleotide position 125. The arginine at codon 42 is replaced by glutamine, an amino acid with highly similar properties. This amino acid position is conserved. In addition, this alteration is predicted to be tolerated by in silico analysis. Since supporting evidence is limited at this time, the clinical significance of this alteration remains unclear.